The following is an entry in ClinVar:

NM_020338.4(ZMIZ1):c.1978G>A (p.Gly660Ser)

Gene: ZMIZ1 (zinc finger MIZ-type containing 1; plus strand). Cytogenetic location: 10q22.3.
Variant type: single nucleotide variant.
Coding change: c.1978G>A on transcript NM_020338.4 (MANE Select); coding-DNA position 1978, G replaced by A.
Protein change: p.Gly660Ser; replaces glycine 660 with serine.
Molecular consequence: missense variant.
Genome position (GRCh38, 1-based): chr10:79,300,901, G>A. VCF-style: chr10-79300901-G-A. GRCh37 (hg19) VCF-style: chr10-81060658-G-A.
Other names: short protein forms G660S.
Identifiers: ClinVar variation 3253208 (VCV003253208.1), dbSNP rs2492144416.

ClinVar aggregate classification (germline): Uncertain significance (1 of 4 stars; one submission).

Allele frequency attached by ClinVar (database versions not stated): gnomAD exomes below 0.00001.
gnomAD v4.1: 2 of 1,612,628 alleles (0.00012%); highest among the groups gnomAD compares: Admixed American, 0.0017%; no homozygotes.

Submission:

GeneDx
Classification: Uncertain significance. Last evaluated: 2023-06-09. Review status: criteria provided, single submitter. Criteria: GeneDx Variant Classification Process June 2021. Collection method: clinical testing. Allele origin: germline. Affected: yes.
Comment: Not observed at significant frequency in large population cohorts (gnomAD); In silico analysis supports that this missense variant has a deleterious effect on protein structure/function; Has not been previously published as pathogenic or benign to our knowledge